The following is an entry in ClinVar:

ClinVar aggregate classification (germline): Uncertain significance. Review status: criteria provided, multiple submitters, no conflicts (2 of 4 stars). 3 submissions from 3 submitters: Uncertain significance (3). Last evaluated 2025-01-02.

Conditions:
Inborn genetic diseases. Identifiers: MedGen C0950123, MeSH D030342.

Allele frequency attached by ClinVar (database versions not stated): gnomAD exomes 0.00001.
gnomAD v4.1: 3 of 1,614,140 alleles (0.00019%); highest among the groups gnomAD compares: Admixed American, 0.0033%; no homozygotes.

Submissions (3):

Ambry Genetics
Classification: Uncertain significance for Inborn genetic diseases. Last evaluated: 2025-01-02. Review status: criteria provided, single submitter. Criteria: Ambry Variant Classification Scheme 2023. Collection method: clinical testing. Allele origin: germline.

Mayo Clinic Laboratories, Mayo Clinic
Classification: Uncertain significance. Last evaluated: 2023-07-10. Review status: criteria provided, single submitter. Criteria: ACMG Guidelines, 2015. Collection method: clinical testing. Allele origin: germline. Observed: 1 variant allele.
Comment: PM2_moderate

Labcorp Genetics (formerly Invitae), Labcorp
Classification: Uncertain significance. Last evaluated: 2022-07-29. Review status: criteria provided, single submitter. Criteria: Invitae Variant Classification Sherloc (09022015). Collection method: clinical testing. Allele origin: germline.
Comment: This variant is present in population databases (no rsID available, gnomAD 0.003%). This sequence change replaces glycine, which is neutral and non-polar, with arginine, which is basic and polar, at codon 219 of the COQ6 protein (p.Gly219Arg). This variant has not been reported in the literature in individuals affected with COQ6-related conditions. In summary, the available evidence is currently insufficient to determine the role of this variant in disease. Therefore, it has been classified as a Variant of Uncertain Significance. Algorithms developed to predict the effect of missense changes on protein structure and function are either unavailable or do not agree on the potential impact of this missense change (SIFT: "Tolerated"; PolyPhen-2: "Probably Damaging"; Align-GVGD: "Class C0").

NM_182476.3(COQ6):c.655G>A (p.Gly219Arg)

Genes: COQ6 (coenzyme Q6, monooxygenase; plus strand), ENTPD5 (ectonucleoside triphosphate diphosphohydrolase 5; minus strand). Cytogenetic location: 14q24.3.
Variant type: single nucleotide variant.
Coding change: c.655G>A on transcript NM_182476.3 (MANE Select); coding-DNA position 655, G replaced by A.
Protein change: p.Gly219Arg; replaces glycine 219 with arginine.
Molecular consequence: missense variant. On other transcripts: 3 prime UTR variant (3), intron variant (2).
Genome position (GRCh38, 1-based): chr14:73,959,013, G>A. VCF-style: chr14-73959013-G-A. GRCh37 (hg19) VCF-style: chr14-74425716-G-A.
Other names: p.Gly219Arg; c.655G>A, p.Gly219Arg (NM_001425255.1, NM_001425256.1); c.490G>A, p.Gly164Arg (NM_001425257.1); c.580G>A, p.Gly194Arg (NM_001425258.1, NM_182480.3); c.430G>A, p.Gly144Arg (NM_001425259.1, NM_001425260.1, NM_001425261.1); c.400G>A, p.Gly134Arg (NM_001425262.1); c.328G>A, p.Gly110Arg (NM_001425263.1); c.115G>A, p.Gly39Arg (NM_001425264.1, NM_001425265.1); and 4 more; short protein forms G219R, G194R.
Identifiers: ClinVar variation 2049324 (VCV002049324.6), dbSNP rs1266251017, ClinGen allele CA390375395.
Genomic context (GRCh38, chr14:73,959,013, plus strand): 5'-GCTCATGTGTCCATGCAGATAGGTGCAGATGGTCACAACTCCGGAGTACGGCAGGCTGTT[G>A]GAATCCAGAATGTGAGCTGGAACTATGACCAGTCTGCTGTTGTGGCTACTCTGCATTTAT-3'
Protein context (NP_872282.1, residues 209-229): GHNSGVRQAV[Gly219Arg]IQNVSWNYDQ